The following is an entry in ClinVar:

ClinVar aggregate classification (germline): Uncertain significance (1 of 4 stars; one submission).

Conditions:
MGAT2-congenital disorder of glycosylation. Also called: MENTAL RETARDATION, GROWTH RETARDATION, PROMINENT COLUMELLA, AND OPEN MOUTH; Alkuraya syndrome; CDG IIa; Congenital disorder of glycosylation, type IIa; MGAT2-CDG. Identifiers: Orphanet 79329, MedGen C2931008, MONDO:0008908, OMIM 212066.

Allele frequency attached by ClinVar (database versions not stated): gnomAD exomes below 0.00001.
gnomAD v4.1: 1 of 1,614,202 alleles (0.000062%); highest among the groups gnomAD compares: Non-Finnish European, 0.000085%; no homozygotes.

Submission:

Labcorp Genetics (formerly Invitae), Labcorp
Classification: Uncertain significance for MGAT2-congenital disorder of glycosylation. Last evaluated: 2017-09-24. Review status: criteria provided, single submitter. Criteria: Invitae Variant Classification Sherloc (09022015). Collection method: clinical testing. Allele origin: germline.
Comment: Algorithms developed to predict the effect of missense changes on protein structure and function do not agree on the potential impact of this missense change (SIFT: "Deleterious"; PolyPhen-2: "Benign"; Align-GVGD: "Class C0"). In summary, the available evidence is currently insufficient to determine the role of this variant in disease. Therefore, it has been classified as a Variant of Uncertain Significance. This variant has not been reported in the literature in individuals with MGAT2-related disease. This variant is not present in population databases (ExAC no frequency). This sequence change replaces threonine with proline at codon 230 of the MGAT2 protein (p.Thr230Pro). The threonine residue is highly conserved and there is a small physicochemical difference between threonine and proline.

NM_002408.4(MGAT2):c.688A>C (p.Thr230Pro)

Gene: MGAT2 (alpha-1,6-mannosyl-glycoprotein 2-beta-N-acetylglucosaminyltransferase; plus strand). Cytogenetic location: 14q21.3.
Variant type: single nucleotide variant.
Coding change: c.688A>C on transcript NM_002408.4 (MANE Select); coding-DNA position 688, A replaced by C.
Protein change: p.Thr230Pro; replaces threonine 230 with proline.
Molecular consequence: missense variant.
Genome position (GRCh38, 1-based): chr14:49,621,956, A>C. VCF-style: chr14-49621956-A-C. GRCh37 (hg19) VCF-style: chr14-50088674-A-C.
Other names: short protein forms T230P.
Identifiers: ClinVar variation 530392 (VCV000530392.8), dbSNP rs1555327096, ClinGen allele CA389619912.